The following is an entry in ClinVar:

ClinVar aggregate classification (germline): Uncertain significance (1 of 4 stars; one submission).

Submission:

Women's Health and Genetics/Laboratory Corporation of America, LabCorp
Classification: Uncertain significance. Last evaluated: 2026-03-10. Review status: criteria provided, single submitter. Criteria: LabCorp Variant Classification Summary - May 2015. Collection method: clinical testing. Allele origin: germline.
Comment: Variant summary: LAMA1 c.2763_2764delinsCA (p.Asp922Asn) results in a conservative amino acid change in the encoded protein sequence. Algorithms developed to predict the effect of missense changes on protein structure and function are either unavailable or do not agree on the potential impact of this missense change. The variant was absent in 282758 control chromosomes. The available data on variant occurrences in the general population are insufficient to allow any conclusion about variant significance. To our knowledge, no occurrence of c.2763_2764delinsCA in individuals affected with LAMA1-related conditions and no experimental evidence demonstrating its impact on protein function have been reported. No submitters have cited clinical-significance assessments for this variant to ClinVar. Based on the evidence outlined above, the variant was classified as uncertain significance.

NM_005559.4(LAMA1):c.2763_2764inv (p.Asp922Asn)

Gene: LAMA1 (laminin subunit alpha 1; minus strand). Cytogenetic location: 18p11.31.
Variant type: Inversion.
Coding change: c.2763_2764inv on transcript NM_005559.4 (MANE Select).
Protein change: p.Asp922Asn; replaces aspartic acid 922 with asparagine.
Molecular consequence: missense variant.
Genome position: GRCh38 VCF-style: chr18-7017322-CA-TG. GRCh37 (hg19) VCF-style: chr18-7017321-CA-TG.
Other names: c.2763_2764delinsCA (NM_005559.4); short protein forms D922N.
Identifiers: ClinVar variation 4847359 (VCV004847359.1).